The following is an entry in ClinVar:

ClinVar aggregate classification (germline): Uncertain significance (1 of 4 stars; one submission).

Conditions:
Primary ciliary dyskinesia. Also called: Ciliary dyskinesia. Identifiers: Orphanet 244, MedGen C0008780, MONDO:0016575, HP:0012265.

gnomAD v4.1: 3 of 1,611,546 alleles (0.00019%); highest among the groups gnomAD compares: Non-Finnish European, 0.00025%; no homozygotes.

Submission:

Ambry Genetics
Classification: Uncertain significance for Primary ciliary dyskinesia. Last evaluated: 2022-06-12. Review status: criteria provided, single submitter. Criteria: Ambry Variant Classification Scheme 2023. Collection method: clinical testing. Allele origin: germline.
Comment: The p.S1015Y variant (also known as c.3044C>A), located in coding exon 19 of the ARMC4 gene, results from a C to A substitution at nucleotide position 3044. The serine at codon 1015 is replaced by tyrosine, an amino acid with dissimilar properties. This amino acid position is conserved. In addition, the in silico prediction for this alteration is inconclusive. Since supporting evidence is limited at this time, the clinical significance of this alteration remains unclear.

NM_018076.5(ODAD2):c.3044C>A (p.Ser1015Tyr)

Genes: ODAD2 (outer dynein arm docking complex subunit 2; minus strand), LOC132089773 (Neanderthal introgressed variant-containing enhancer experimental_12116; plus strand). Cytogenetic location: 10p12.1.
Variant type: single nucleotide variant.
Coding change: c.3044C>A on transcript NM_018076.5 (MANE Select); coding-DNA position 3044, C replaced by A.
Protein change: p.Ser1015Tyr; replaces serine 1015 with tyrosine.
Molecular consequence: missense variant.
Genome position (GRCh38, 1-based): chr10:27,812,603, G>T on the plus strand (C>A on the coding strand, the complement: ODAD2 is on the minus strand). VCF-style: chr10-27812603-G-T. GRCh37 (hg19) VCF-style: chr10-28101532-G-T.
Other names: c.3044C>A, p.Ser1015Tyr (NM_001290020.2); c.1741C>A, p.Pro581Thr (NM_001290021.2); c.2120C>A, p.Ser707Tyr (NM_001312689.2); short protein forms P581T, S1015Y, S707Y.
Identifiers: ClinVar variation 1800102 (VCV001800102.2), dbSNP rs754214367, ClinGen allele CA205042399.
Genomic context (GRCh38, chr10:27,812,603, plus strand): 5'-GCCAGCCTGCGGATATTGGATATACAACCAGCTGCAGCTTCCTGGAGATCCTGGTCAGGG[G>T]ACCCAACCATATCCAGTAGAAGCTGTCACACATAAGGAGGAGAAGAAGGGACACAAGAAT-3'
Protein context (NP_060546.2, residues 1005-1025): AVKLLLDMVG[Ser1015Tyr]PDQDLQEAAA